The following is an entry in ClinVar:

NM_014668.4(GREB1):c.909G>A (p.Leu303=)

Gene: GREB1 (growth regulating estrogen receptor binding 1; plus strand). Cytogenetic location: 2p25.1.
Variant type: single nucleotide variant.
Coding change: c.909G>A on transcript NM_014668.4 (MANE Select); coding-DNA position 909, G replaced by A.
Protein change: p.Leu303=; no amino-acid change (leucine 303 retained).
Molecular consequence: synonymous variant.
Genome position (GRCh38, 1-based): chr2:11,585,168, G>A. VCF-style: chr2-11585168-G-A. GRCh37 (hg19) VCF-style: chr2-11725294-G-A.
Other names: c.909G>A, p.Leu303= (NM_033090.3, NM_148903.3).
Identifiers: ClinVar variation 2650680 (VCV002650680.24), dbSNP rs144245281, ClinGen allele CA1531342.

ClinVar aggregate classification (germline): Likely benign (1 of 4 stars; one submission).

Allele frequency attached by ClinVar (database versions not stated): 1000 Genomes Project 0.00020; 1000 Genomes Project 30x 0.00031; ExAC 0.00123; ESP Exome Variant Server 0.00123; gnomAD 0.00123; TOPMed 0.00131; gnomAD exomes 0.00174.
gnomAD v4.1: 2,606 of 1,562,232 alleles (0.17%); highest among the groups gnomAD compares: Non-Finnish European, 0.21%; 4 homozygotes.

Submission:

CeGaT Center for Human Genetics Tuebingen
Classification: Likely benign. Last evaluated: 2022-07-01. Review status: criteria provided, single submitter. Criteria: CeGaT Center For Human Genetics Tuebingen Variant Classification Criteria Version 2. Collection method: clinical testing. Allele origin: germline. Affected: yes. Observed: 1 variant allele.
Comment: GREB1: BP4, BP7